The following is an entry in ClinVar:

NM_022051.3(EGLN1):c.880G>T (p.Gly294Cys)

Genes: EGLN1 (egl-9 family hypoxia inducible factor 1; minus strand), LOC129932769 (ATAC-STARR-seq lymphoblastoid active region 2730; plus strand). Cytogenetic location: 1q42.2.
Variant type: single nucleotide variant.
Coding change: c.880G>T on transcript NM_022051.3 (MANE Select); coding-DNA position 880, G replaced by T.
Protein change: p.Gly294Cys; replaces glycine 294 with cysteine.
Molecular consequence: missense variant.
Genome position (GRCh38, 1-based): chr1:231,421,009, C>A on the plus strand (G>T on the coding strand, the complement: EGLN1 is on the minus strand). VCF-style: chr1-231421009-C-A. GRCh37 (hg19) VCF-style: chr1-231556755-C-A.
Other names: c.880G>T, p.Gly294Cys (NM_001377260.1, NM_001377261.1); short protein forms G294C.
Identifiers: ClinVar variation 3843893 (VCV003843893.1).

ClinVar aggregate classification (germline): Uncertain significance (1 of 4 stars; one submission).

Submission:

Ambry Genetics
Classification: Uncertain significance. Last evaluated: 2025-02-25. Review status: criteria provided, single submitter. Criteria: Ambry Variant Classification Scheme 2023. Collection method: clinical testing. Allele origin: germline.
Comment: The p.G294C variant (also known as c.880G>T), located in coding exon 1 of the EGLN1 gene, results from a G to T substitution at nucleotide position 880. The glycine at codon 294 is replaced by cysteine, an amino acid with highly dissimilar properties. This amino acid position is conserved. In addition, this alteration is predicted to be deleterious by in silico analysis. Based on the available evidence, the clinical significance of this variant remains unclear.